The following is an entry in ClinVar:

NM_001447.3(FAT2):c.5642T>C (p.Ile1881Thr)

Genes: SLC36A1 (solute carrier family 36 member 1; plus strand), FAT2 (FAT atypical cadherin 2; minus strand). Cytogenetic location: 5q33.1.
Variant type: single nucleotide variant.
Coding change: c.5642T>C on transcript NM_001447.3 (MANE Select); coding-DNA position 5642, T replaced by C.
Protein change: p.Ile1881Thr; replaces isoleucine 1881 with threonine.
Molecular consequence: missense variant.
Genome position (GRCh38, 1-based): chr5:151,545,485, A>G on the plus strand (T>C on the coding strand, the complement: FAT2 is on the minus strand). VCF-style: chr5-151545485-A-G. GRCh37 (hg19) VCF-style: chr5-150925046-A-G.
Other names: short protein forms I1881T.
Identifiers: ClinVar variation 783449 (VCV000783449.33), dbSNP rs114259641, ClinGen allele CA3521257.

ClinVar aggregate classification (germline): Benign. Review status: criteria provided, multiple submitters, no conflicts (2 of 4 stars). 3 submissions from 3 submitters: Benign (2). 1 of the submissions does not count toward it. Last evaluated 2025-11-29.

Conditions:
FAT2-related disorder. Also called: FAT2-related condition.

Allele frequency attached by ClinVar (database versions not stated): gnomAD exomes 0.00025 and 0.00063; ExAC 0.00080; ESP Exome Variant Server 0.00246; gnomAD 0.00254 and 0.00277; TOPMed 0.00281; 1000 Genomes Project 0.00319; 1000 Genomes Project 30x 0.00359.
gnomAD v4.1: 796 of 1,614,166 alleles (0.049%); highest among the groups gnomAD compares: African/African-American, 0.89%; 2 homozygotes.

Submissions (3):

Labcorp Genetics (formerly Invitae), Labcorp
Classification: Benign. Last evaluated: 2025-11-29. Review status: criteria provided, single submitter. Criteria: Invitae Variant Classification Sherloc (09022015). Collection method: clinical testing. Allele origin: germline.

CeGaT Center for Human Genetics Tuebingen
Classification: Benign. Last evaluated: 2022-05-01. Review status: criteria provided, single submitter. Criteria: CeGaT Center For Human Genetics Tuebingen Variant Classification Criteria Version 2. Collection method: clinical testing. Allele origin: germline. Affected: yes. Observed: 1 variant allele.
Comment: FAT2: BP4, BS1, BS2

PreventionGenetics, part of Exact Sciences
Classification: Benign for FAT2-related condition. Last evaluated: 2019-04-10. Review status: no assertion criteria provided. Collection method: clinical testing. Allele origin: germline. Not counted in ClinVar's aggregate classification.
Comment: This variant is classified as benign based on ACMG/AMP sequence variant interpretation guidelines (Richards et al. 2015 PMID: 25741868, with internal and published modifications).